The following is an entry in ClinVar:

NM_004004.6(GJB2):c.136G>T (p.Asp46Tyr)

Gene: GJB2 (gap junction protein beta 2; minus strand). Cytogenetic location: 13q12.11.
Variant type: single nucleotide variant.
Coding change: c.136G>T on transcript NM_004004.6 (MANE Select); coding-DNA position 136, G replaced by T.
Protein change: p.Asp46Tyr; replaces aspartic acid 46 with tyrosine.
Molecular consequence: missense variant.
Genome position (GRCh38, 1-based): chr13:20,189,446, C>A on the plus strand (G>T on the coding strand, the complement: GJB2 is on the minus strand). VCF-style: chr13-20189446-C-A. GRCh37 (hg19) VCF-style: chr13-20763585-C-A.
Other names: short protein forms D46Y.
Identifiers: ClinVar variation 4279647 (VCV004279647.2).

ClinVar aggregate classification (germline): Uncertain significance (1 of 4 stars; one submission).

Conditions:
Monogenic hearing loss.

Submission:

Genetics Laboratory, Great Ormond Street Hospital NHS Foundation Trust, North Thames Genomic Laboratory Hub
Classification: Uncertain significance for Monogenic hearing loss. Last evaluated: 2025-08-19. Review status: criteria provided, single submitter. Criteria: ACGS Best Practice Guidelines for Variant Classification in Rare Disease 2024 v1.2. Collection method: clinical testing. Allele origin: germline. Affected: yes.
Comment: PM2_moderate, PP3_supporting, PM5_moderate